The following is an entry in ClinVar:

ClinVar aggregate classification (germline): Uncertain significance. Review status: criteria provided, multiple submitters, no conflicts (2 of 4 stars). 2 submissions from 2 submitters: Uncertain significance (2). Last evaluated 2023-12-05.

Conditions:
Hereditary cancer-predisposing syndrome. Also called: Hereditary neoplastic syndrome; Neoplastic Syndromes, Hereditary; Tumor predisposition; Hereditary Cancer Syndrome. Identifiers: Orphanet 140162, MedGen C0027672, MeSH D009386, MONDO:0015356.
Familial adenomatous polyposis 1 (FAP1). Also called: POLYPOSIS, ADENOMATOUS INTESTINAL; FAMILIAL ADENOMATOUS POLYPOSIS 1, ATTENUATED. Identifiers: MedGen C2713442, MONDO:0021056, OMIM 175100. Disease mechanism: loss of function.

Allele frequency attached by ClinVar (database versions not stated): TOPMed below 0.00001.

Submissions (2):

Color Diagnostics, LLC DBA Color Health
Classification: Uncertain significance for Hereditary cancer-predisposing syndrome. Last evaluated: 2023-12-05. Review status: criteria provided, single submitter. Criteria: ACMG Guidelines, 2015. Collection method: clinical testing. Allele origin: germline.
Comment: This missense variant replaces aspartic acid with glutamic acid at codon 1994 of the APC protein. Computational prediction tools and conservation analyses suggest that this variant may not impact the protein function. Computational splicing tools suggest that this variant may not impact RNA splicing. To our knowledge, functional assays have not been performed for this variant nor has this variant been reported in individuals affected with hereditary cancer in the literature. This variant has not been identified in the general population by the Genome Aggregation Database (gnomAD). Available evidence is insufficient to determine the role of this variant in disease conclusively. Therefore, this variant is classified as a Variant of Uncertain Significance.

Labcorp Genetics (formerly Invitae), Labcorp
Classification: Uncertain significance for Familial adenomatous polyposis 1. Last evaluated: 2017-02-20. Review status: criteria provided, single submitter. Criteria: Invitae Variant Classification Sherloc (09022015). Collection method: clinical testing. Allele origin: germline.
Comment: This variant is not present in population databases (ExAC no frequency) and has not been reported in the literature in individuals with a APC-related disease. In summary, this variant is a novel missense change that is not predicted to affect protein function. There is no indication that it causes disease, but the available evidence is currently insufficient to prove that conclusively. Therefore, it has been classified as a Variant of Uncertain Significance. Algorithms developed to predict the effect of missense changes on protein structure and function (SIFT, PolyPhen-2, Align-GVGD) all suggest that this variant is likely to be tolerated, but these predictions have not been confirmed by published functional studies. This sequence change replaces aspartic acid with glutamic acid at codon 1994 of the APC protein (p.Asp1994Glu). The aspartic acid residue is moderately conserved and there is a small physicochemical difference between aspartic acid and glutamic acid.

NM_000038.6(APC):c.5982C>A (p.Asp1994Glu)

Gene: APC (APC regulator of Wnt signaling pathway; plus strand). Cytogenetic location: 5q22.2.
Variant type: single nucleotide variant.
Coding change: c.5982C>A on transcript NM_000038.6 (MANE Select); coding-DNA position 5982, C replaced by A.
Protein change: p.Asp1994Glu; replaces aspartic acid 1994 with glutamic acid.
Molecular consequence: missense variant.
Genome position (GRCh38, 1-based): chr5:112,841,576, C>A. VCF-style: chr5-112841576-C-A. GRCh37 (hg19) VCF-style: chr5-112177273-C-A.
Other names: c.5898C>A, p.Asp1966Glu (NM_001354899.2); c.5859C>A, p.Asp1953Glu (NM_001354900.2); c.5805C>A, p.Asp1935Glu (NM_001354901.2); c.5709C>A, p.Asp1903Glu (NM_001354902.2); c.5679C>A, p.Asp1893Glu (NM_001354903.2); c.5604C>A, p.Asp1868Glu (NM_001354904.2); c.5502C>A, p.Asp1834Glu (NM_001354905.2); c.5133C>A, p.Asp1711Glu (NM_001354906.2); and 5 more; short protein forms D1994E, D1976E, D1893E, D1953E, D1711E, D1834E, D1868E, D1903E.
Identifiers: ClinVar variation 470028 (VCV000470028.15), dbSNP rs372852823, ClinGen allele CA16034426.